The following is an entry in ClinVar:

NM_001184880.2(PCDH19):c.2795A>G (p.Asn932Ser)

Gene: PCDH19 (protocadherin 19; minus strand). Cytogenetic location: Xq22.1.
Variant type: single nucleotide variant.
Coding change: c.2795A>G on transcript NM_001184880.2 (MANE Select); coding-DNA position 2795, A replaced by G.
Protein change: p.Asn932Ser; replaces asparagine 932 with serine.
Molecular consequence: missense variant.
Genome position (GRCh38, 1-based): chrX:100,341,956, T>C on the plus strand (A>G on the coding strand, the complement: PCDH19 is on the minus strand). VCF-style: chrX-100341956-T-C. GRCh37 (hg19) VCF-style: chrX-99596954-T-C.
Other names: c.2654A>G, p.Asn885Ser (NM_001105243.2); c.2651A>G, p.Asn884Ser (NM_020766.3); short protein forms N884S, N885S, N932S.
Identifiers: ClinVar variation 1010494 (VCV001010494.10), dbSNP rs1926262402, ClinGen allele CA413999894.

ClinVar aggregate classification (germline): Uncertain significance (1 of 4 stars; one submission).

Conditions:
Developmental and epileptic encephalopathy, 9 (DEE9). Also called: JUBERG-HELLMAN SYNDROME; PCDH19-Related X-Linked Female-Limited Epilepsy with Mental Retardation; Early infantile epileptic encephalopathy 9; EPILEPSY, FEMALE-RESTRICTED, WITH MENTAL RETARDATION. Identifiers: Orphanet 101039, Orphanet 2076, MedGen C1848137, MONDO:0010246, OMIM 300088. Disease mechanism: loss of function.

Submission:

Labcorp Genetics (formerly Invitae), Labcorp
Classification: Uncertain significance for Developmental and epileptic encephalopathy, 9. Last evaluated: 2022-06-27. Review status: criteria provided, single submitter. Criteria: Invitae Variant Classification Sherloc (09022015). Collection method: clinical testing. Allele origin: germline.
Comment: This sequence change replaces asparagine, which is neutral and polar, with serine, which is neutral and polar, at codon 932 of the PCDH19 protein (p.Asn932Ser). This variant is not present in population databases (gnomAD no frequency). In summary, the available evidence is currently insufficient to determine the role of this variant in disease. Therefore, it has been classified as a Variant of Uncertain Significance. Algorithms developed to predict the effect of sequence changes on RNA splicing suggest that this variant may create or strengthen a splice site. Advanced modeling of protein sequence and biophysical properties (such as structural, functional, and spatial information, amino acid conservation, physicochemical variation, residue mobility, and thermodynamic stability) performed at Invitae indicates that this missense variant is not expected to disrupt PCDH19 protein function. ClinVar contains an entry for this variant (Variation ID: 1010494). This variant has not been reported in the literature in individuals affected with PCDH19-related conditions.